The following is an entry in ClinVar:

ClinVar aggregate classification (germline): Uncertain significance. Review status: criteria provided, multiple submitters, no conflicts (2 of 4 stars). 2 submissions from 2 submitters: Uncertain significance (2). Last evaluated 2025-04-29.

gnomAD v4.1: 1 of 1,614,140 alleles (0.000062%); highest among the groups gnomAD compares: Non-Finnish European, 0.000085%; no homozygotes.

Submissions (2):

Ambry Genetics
Classification: Uncertain significance. Last evaluated: 2025-04-29. Review status: criteria provided, single submitter. Criteria: Ambry Variant Classification Scheme 2023. Collection method: clinical testing. Allele origin: germline.

Labcorp Genetics (formerly Invitae), Labcorp
Classification: Uncertain significance. Last evaluated: 2025-02-13. Review status: criteria provided, single submitter. Criteria: Invitae Variant Classification Sherloc (09022015). Collection method: clinical testing. Allele origin: germline.
Comment: This sequence change replaces proline, which is neutral and non-polar, with leucine, which is neutral and non-polar, at codon 603 of the RFWD3 protein (p.Pro603Leu). This variant is present in population databases (rs761352484, gnomAD 0.006%). This variant has not been reported in the literature in individuals affected with RFWD3-related conditions. An algorithm developed to predict the effect of missense changes on protein structure and function (PolyPhen-2) suggests that this variant is likely to be disruptive. In summary, the available evidence is currently insufficient to determine the role of this variant in disease. Therefore, it has been classified as a Variant of Uncertain Significance.

NM_018124.4(RFWD3):c.1808C>T (p.Pro603Leu)

Gene: RFWD3 (ring finger and WD repeat domain 3; minus strand). Cytogenetic location: 16q23.1.
Variant type: single nucleotide variant.
Coding change: c.1808C>T on transcript NM_018124.4 (MANE Select); coding-DNA position 1808, C replaced by T.
Protein change: p.Pro603Leu; replaces proline 603 with leucine.
Molecular consequence: missense variant.
Genome position (GRCh38, 1-based): chr16:74,628,613, G>A on the plus strand (C>T on the coding strand, the complement: RFWD3 is on the minus strand). VCF-style: chr16-74628613-G-A. GRCh37 (hg19) VCF-style: chr16-74662511-G-A.
Other names: c.1808C>T, p.Pro603Leu (NM_001370534.1, NM_001370535.1); c.1631C>T, p.Pro544Leu (NM_001370536.1); c.974C>T, p.Pro325Leu (NM_001370537.1, NM_001370539.1, NM_001370540.1 and 2 more transcripts); short protein forms P325L, P544L, P603L.
Identifiers: ClinVar variation 3944970 (VCV003944970.2).